The following is an entry in ClinVar:

ClinVar aggregate classification (germline): Uncertain significance (1 of 4 stars; one submission).

Conditions:
Developmental and epileptic encephalopathy, 64. Also called: EPILEPTIC ENCEPHALOPATHY, EARLY INFANTILE, 64. Identifiers: MedGen C4693899, MONDO:0033373, OMIM 618004.

Submission:

New York Genome Center
Classification: Uncertain significance for Developmental and epileptic encephalopathy, 64. Last evaluated: 2020-06-26. Review status: criteria provided, single submitter. Criteria: NYGC Assertion Criteria 2020. Collection method: clinical testing. Allele origin: germline. Observed: 1 homozygote. Study: CSER-NYCKidSeq.
Comment: The homozygous c.1541A>G (p.His514Arg) variant identified in the RHOBTB2 gene substitutes a well conserved Histidine for Arginine at amino acid 514/728 (exon 6/10). This variant is absent from gnomAD suggesting it is not a common benign variant in the populations represented in that database. In silico algorithms predict this variant to be Deleterious (Provean; score:-6.89) and Damaging (SIFT; score:0.001) to the function of the canonical transcript. This variant is absent from ClinVar and to our current knowledge has not been reported in affected individuals in the literature. The p.His514 residue is within the second BTB domain of RHOBTB2 (UniProtKB:Q9BYZ6). While to our current knowledge individuals have not been reported with variants within the second BTB domain, missense variants in the first BTB domain and the linker region between the first and second BTB domains have been described in affected individualsin the literature [PMID:29276004; PMID:29768694; PMID:26740508]. The homozygous c.1541A>G (p.His514Arg) variant identified in the RHOBTB2 gene is reported here as a Variant of Uncertain Significance.

NM_015178.3(RHOBTB2):c.1541A>G (p.His514Arg)

Gene: RHOBTB2 (Rho related BTB domain containing 2; plus strand). Cytogenetic location: 8p21.3.
Variant type: single nucleotide variant.
Coding change: c.1541A>G on transcript NM_015178.3 (MANE Select); coding-DNA position 1541, A replaced by G.
Protein change: p.His514Arg; replaces histidine 514 with arginine.
Molecular consequence: missense variant.
Genome position (GRCh38, 1-based): chr8:23,008,032, A>G. VCF-style: chr8-23008032-A-G. GRCh37 (hg19) VCF-style: chr8-22865545-A-G.
Other names: c.1607A>G, p.His536Arg (NM_001160036.2); c.1562A>G, p.His521Arg (NM_001160037.2); c.1541A>G, p.His514Arg (NM_001374791.1); short protein forms H514R, H521R, H536R.
Identifiers: ClinVar variation 1341709 (VCV001341709.1), dbSNP rs2128805194, ClinGen allele CA370570105.